The following is an entry in ClinVar:

ClinVar aggregate classification (germline): Uncertain significance (1 of 4 stars; one submission).

Submission:

GeneDx
Classification: Uncertain significance. Last evaluated: 2024-05-15. Review status: criteria provided, single submitter. Criteria: GeneDx Variant Classification Process June 2021. Collection method: clinical testing. Allele origin: germline. Affected: yes.
Comment: Not observed at significant frequency in large population cohorts (gnomAD); Missense variant in a gene in which most reported pathogenic variants are truncating/loss of function; Has not been previously published as pathogenic or benign to our knowledge

NM_001267550.2(TTN):c.52507G>A (p.Gly17503Ser)

Genes: TTN (titin; minus strand), TTN-AS1 (TTN antisense RNA 1; plus strand), LOC126806425 (BRD4-independent group 4 enhancer GRCh37_chr2:179471933-179473132; plus strand). Cytogenetic location: 2q31.2.
Variant type: single nucleotide variant.
Coding change: c.52507G>A on transcript NM_001267550.2 (MANE Select); coding-DNA position 52507, G replaced by A.
Protein change: p.Gly17503Ser; replaces glycine 17503 with serine.
Molecular consequence: missense variant.
Genome position (GRCh38, 1-based): chr2:178,608,376, C>T on the plus strand (G>A on the coding strand, the complement: TTN is on the minus strand). VCF-style: chr2-178608376-C-T. GRCh37 (hg19) VCF-style: chr2-179473103-C-T.
Other names: c.47584G>A, p.Gly15862Ser (NM_001256850.1); c.25312G>A, p.Gly8438Ser (NM_003319.4); c.44803G>A, p.Gly14935Ser (NM_133378.4); c.25687G>A, p.Gly8563Ser (NM_133432.3); c.25888G>A, p.Gly8630Ser (NM_133437.4); short protein forms G14935S, G15862S, G17503S, G8438S, G8563S, G8630S.
Identifiers: ClinVar variation 3378304 (VCV003378304.1).
Genomic context (GRCh38, chr2:178,608,376, plus strand): 5'-GGCTTTTGTTGACACGAGACCAATGTGTACTGTTAACTTCACGTTTTTCAAGCCAGTAAC[C>T]CAAAATGGGGCTTCCATTATCTTTTGGTTCATTCCATTTCACTAGCATACTGTTGCTGGT-3'
Protein context (NP_001254479.2, residues 17493-17513): EPKDNGSPIL[Gly17503Ser]YWLEKREVNS